The following is an entry in ClinVar:

NM_145290.4(ADGRA3):c.3164T>G (p.Leu1055Arg)

Gene: ADGRA3 (adhesion G protein-coupled receptor A3; minus strand). Cytogenetic location: 4p15.2.
Variant type: single nucleotide variant.
Coding change: c.3164T>G on transcript NM_145290.4 (MANE Select); coding-DNA position 3164, T replaced by G.
Protein change: p.Leu1055Arg; replaces leucine 1055 with arginine.
Molecular consequence: missense variant.
Genome position (GRCh38, 1-based): chr4:22,388,507, A>C on the plus strand (T>G on the coding strand, the complement: ADGRA3 is on the minus strand). VCF-style: chr4-22388507-A-C. GRCh37 (hg19) VCF-style: chr4-22390130-A-C.
Other names: short protein forms L1055R.
Identifiers: ClinVar variation 1466685 (VCV001466685.6), dbSNP rs2108989223, ClinGen allele CA356473515.

ClinVar aggregate classification (germline): Uncertain significance (1 of 4 stars; one submission).

Submission:

Labcorp Genetics (formerly Invitae), Labcorp
Classification: Uncertain significance. Last evaluated: 2021-10-08. Review status: criteria provided, single submitter. Criteria: Invitae Variant Classification Sherloc (09022015). Collection method: clinical testing. Allele origin: germline.
Comment: In summary, the available evidence is currently insufficient to determine the role of this variant in disease. Therefore, it has been classified as a Variant of Uncertain Significance. Algorithms developed to predict the effect of sequence changes on RNA splicing suggest that this variant may create or strengthen a splice site. Algorithms developed to predict the effect of missense changes on protein structure and function (SIFT, PolyPhen-2, Align-GVGD) all suggest that this variant is likely to be tolerated. This variant has not been reported in the literature in individuals affected with ADGRA3-related conditions. This variant is not present in population databases (ExAC no frequency). This sequence change replaces leucine with arginine at codon 1055 of the ADGRA3 protein (p.Leu1055Arg). The leucine residue is moderately conserved and there is a moderate physicochemical difference between leucine and arginine.